The following is an entry in ClinVar:

ClinVar aggregate classification (germline): Conflicting classifications of pathogenicity. Review status: criteria provided, conflicting classifications (1 of 4 stars). 14 submissions from 10 submitters: Uncertain significance (11); Benign (2); Likely benign (1). Last evaluated 2026-08-25.

Conditions:
TTN-related disorder. Also called: TTN-related condition; TTN-related disease; TTN-related disorders.
Cardiovascular phenotype. Identifiers: MedGen CN230736.
Autosomal recessive limb-girdle muscular dystrophy type 2J (LGMDR10). Also called: Limb-girdle muscular dystrophy, type 2J; MUSCULAR DYSTROPHY, LIMB-GIRDLE, AUTOSOMAL RECESSIVE 10. Identifiers: Orphanet 140922, MedGen C1837342, MONDO:0012127, OMIM 608807.
Dilated cardiomyopathy 1G (CMD1G). Identifiers: Orphanet 154, MedGen C1858763, MONDO:0011400, OMIM 604145.
Cardiomyopathy (CMYO). Also called: Cardiomyopathies. Identifiers: Orphanet 167848, MedGen C0878544, MONDO:0004994, HP:0001638. Inheritance: Various modes of inheritance.
Early-onset myopathy with fatal cardiomyopathy (CMYO5). Also called: Salih Myopathy; CONGENITAL MYOPATHY 5 WITH CARDIOMYOPATHY. Identifiers: Orphanet 289377, MedGen C2673677, MONDO:0012714, OMIM 611705. Disease mechanism: loss of function.
Tibial muscular dystrophy (TMD). Also called: Tibial muscular dystrophy, tardive; UDD MYOPATHY; Udd Distal Myopathy – Tibial Muscular Dystrophy. Identifiers: Orphanet 609, MedGen C1838244, MONDO:0010870, OMIM 600334.
Hypertrophic cardiomyopathy 9. Also called: Familial hypertrophic cardiomyopathy 9. Identifiers: MedGen C1861065, MONDO:0013412, OMIM 613765.
Myopathy, myofibrillar, 9, with early respiratory failure (MFM9). Also called: EDSTROM MYOPATHY; MYOPATHY, PROXIMAL, WITH EARLY RESPIRATORY MUSCLE INVOLVEMENT; Myopathy, distal, with early respiratory failure, autosomal dominant; Hereditary myopathy with early respiratory failure. Identifiers: Orphanet 178464, Orphanet 34521, MedGen C1863599, MONDO:0011362, OMIM 603689.

Allele frequency attached by ClinVar (database versions not stated): gnomAD exomes 0.00010; gnomAD 0.00012 and 0.00013; TOPMed 0.00012; ExAC 0.00015; ESP Exome Variant Server 0.00033.
gnomAD v4.1: 225 of 1,597,570 alleles (0.014%); highest among the groups gnomAD compares: Non-Finnish European, 0.019%; no homozygotes.

Submissions (14):

PreventionGenetics, part of Exact Sciences
Classification: Uncertain significance for TTN-related condition. Last evaluated: 2026-08-25. Review status: criteria provided, single submitter. Criteria: ACMG Guidelines, 2015. Collection method: clinical testing. Allele origin: germline.
Comment: The TTN c.54796G>T variant is predicted to result in the amino acid substitution p.Ala18266Ser. To our knowledge, this variant has not been reported in the literature. This variant is reported in 0.025% of alleles in individuals of European (Non-Finnish) descent in gnomAD and has conflicting interpretations regarding its pathogenicity in ClinVar, ranging from benign to uncertain (Variation ID: 202718). Although we suspect that this variant may be benign, at this time, the clinical significance of this variant is uncertain due to the absence of conclusive functional and genetic evidence.

CeGaT Center for Human Genetics Tuebingen
Classification: Uncertain significance. Last evaluated: 2025-11-01. Review status: criteria provided, single submitter. Criteria: CeGaT Center For Human Genetics Tuebingen Variant Classification Criteria Version 2. Collection method: clinical testing. Allele origin: germline. Affected: yes. Observed: 4 variant alleles.
Comment: TTN: PM2

Revvity Omics, Revvity
Classification: Uncertain significance. Last evaluated: 2022-06-10. Review status: criteria provided, single submitter. Criteria: ACMG Guidelines, 2015. Collection method: clinical testing. Allele origin: germline.

Ambry Genetics
Classification: Likely benign for Cardiovascular phenotype. Last evaluated: 2019-07-31. Review status: criteria provided, single submitter. Criteria: Ambry Variant Classification Scheme 2023. Collection method: clinical testing. Allele origin: germline.

Institute of Human Genetics, University of Leipzig Medical Center
Classification: Uncertain significance for Hypertrophic cardiomyopathy 9. Last evaluated: 2019-01-01. Review status: criteria provided, single submitter. Criteria: ACMG Guidelines, 2015. Collection method: clinical testing. Allele origin: unknown. Affected: yes.

Illumina Laboratory Services, Illumina
Classification: Benign for Tibial muscular dystrophy. Last evaluated: 2018-01-13. Review status: criteria provided, single submitter. Criteria: ICSL Variant Classification Criteria 13 December 2019. Collection method: clinical testing. Allele origin: germline.
Comment: This variant was observed in the ICSL laboratory as part of a predisposition screen in an ostensibly healthy population. It had not been previously curated by ICSL or reported in the Human Gene Mutation Database (HGMD: prior to June 1st, 2018), and was therefore a candidate for classification through an automated scoring system. Utilizing variant allele frequency, disease prevalence and penetrance estimates, and inheritance mode, an automated score was calculated to assess if this variant is too frequent to cause the disease. Based on the score and internal cut-off values, a variant classified as benign is not then subjected to further curation. The score for this variant resulted in a classification of benign for this disease.

Illumina Laboratory Services, Illumina
Classification: Benign for Myopathy, myofibrillar, 9, with early respiratory failure. Last evaluated: 2018-01-13. Review status: criteria provided, single submitter. Criteria: ICSL Variant Classification Criteria 13 December 2019. Collection method: clinical testing. Allele origin: germline.
Comment: the same text as in the submission from Illumina Laboratory Services, Illumina above.

Illumina Laboratory Services, Illumina
Classification: Uncertain significance for Dilated cardiomyopathy 1G. Last evaluated: 2018-01-13. Review status: criteria provided, single submitter. Criteria: ICSL Variant Classification Criteria 13 December 2019. Collection method: clinical testing. Allele origin: germline.

Illumina Laboratory Services, Illumina
Classification: Uncertain significance for Autosomal recessive limb-girdle muscular dystrophy type 2J. Last evaluated: 2018-01-13. Review status: criteria provided, single submitter. Criteria: ICSL Variant Classification Criteria 13 December 2019. Collection method: clinical testing. Allele origin: germline.

Illumina Laboratory Services, Illumina
Classification: Uncertain significance for Early-onset myopathy with fatal cardiomyopathy. Last evaluated: 2018-01-13. Review status: criteria provided, single submitter. Criteria: ICSL Variant Classification Criteria 13 December 2019. Collection method: clinical testing. Allele origin: germline.

Labcorp Genetics (formerly Invitae), Labcorp
Classification: Uncertain significance for Dilated cardiomyopathy 1G; Autosomal recessive limb-girdle muscular dystrophy type 2J. Last evaluated: 2017-10-06. Review status: criteria provided, single submitter. Criteria: Invitae Variant Classification Sherloc (09022015). Collection method: clinical testing. Allele origin: germline.

CHEO Genetics Diagnostic Laboratory, Children's Hospital of Eastern Ontario
Classification: Uncertain significance for Cardiomyopathy. Last evaluated: 2016-08-10. Review status: criteria provided, single submitter. Criteria: ACMG Guidelines, 2015. Collection method: clinical testing. Allele origin: germline. Study: Canadian Open Genetics Repository.

Eurofins Ntd Llc (ga)
Classification: Uncertain significance. Last evaluated: 2015-11-12. Review status: criteria provided, single submitter. Criteria: EGL Classification Definitions 2015. Collection method: clinical testing. Allele origin: germline. Observed: 1 variant allele, 1 heterozygote.

GeneDx
Classification: Uncertain significance. Last evaluated: 2015-11-11. Review status: criteria provided, single submitter. Criteria: GeneDx Variant Classification (06012015). Collection method: clinical testing. Allele origin: germline. Affected: yes.
Comment: Missense variants in the TTN gene are considered 'unclassified' if they are not previously reported in the literature and do not have >1% frequency in the population to be considered a polymorphism. Research indicates that truncating mutations in the TTN gene are expected to account for approximately 25% of familial and 18% of sporadic idiopathic DCM; however, truncating variants in the TTN gene have been reported in approximately 3% of reported control alleles. There has been little investigation into non-truncating variants. (Herman D et al. Truncations of titin causing dilated cardiomyopathy. N Eng J Med 366:619-628, 2012) The variant is found in DCM panel(s).

NM_001267550.2(TTN):c.54796G>T (p.Ala18266Ser)

Genes: TTN-AS1 (TTN antisense RNA 1; plus strand), TTN (titin; minus strand). Cytogenetic location: 2q31.2.
Variant type: single nucleotide variant.
Coding change: c.54796G>T on transcript NM_001267550.2 (MANE Select); coding-DNA position 54796, G replaced by T.
Protein change: p.Ala18266Ser; replaces alanine 18266 with serine.
Molecular consequence: missense variant.
Genome position (GRCh38, 1-based): chr2:178,603,891, C>A on the plus strand (G>T on the coding strand, the complement: TTN is on the minus strand). VCF-style: chr2-178603891-C-A. GRCh37 (hg19) VCF-style: chr2-179468618-C-A.
Other names: p.A16625S:GCA>TCA; c.49873G>T, p.Ala16625Ser (NM_001256850.1); c.27601G>T, p.Ala9201Ser (NM_003319.4); c.47092G>T, p.Ala15698Ser (NM_133378.4); c.27976G>T, p.Ala9326Ser (NM_133432.3); c.28177G>T, p.Ala9393Ser (NM_133437.4); short protein forms A16625S, A18266S, A15698S, A9201S, A9393S, A9326S.
Identifiers: ClinVar variation 202718 (VCV000202718.43), dbSNP rs199837769, ClinGen allele CA310076.